The following is an entry in ClinVar:

NM_014585.6(SLC40A1):c.609C>T (p.Ile203=)

Gene: SLC40A1 (solute carrier family 40 member 1; minus strand). Cytogenetic location: 2q32.2.
Variant type: single nucleotide variant.
Coding change: c.609C>T on transcript NM_014585.6 (MANE Select); coding-DNA position 609, C replaced by T.
Protein change: p.Ile203=; no amino-acid change (isoleucine 203 retained).
Molecular consequence: synonymous variant.
Genome position (GRCh38, 1-based): chr2:189,565,505, G>A on the plus strand (C>T on the coding strand, the complement: SLC40A1 is on the minus strand). VCF-style: chr2-189565505-G-A. GRCh37 (hg19) VCF-style: chr2-190430231-G-A.
Identifiers: ClinVar variation 333168 (VCV000333168.26), dbSNP rs369846096, ClinGen allele CA2024192.
Genomic context (GRCh38, chr2:189,565,505, plus strand): 5'-GAGCAGAACGTACTCCACGCACATGGATACCAAGTTCCATCCCGAAATAAAGCCACAGCC[G>A]ATGACTGGGGAGCCAAATGTCATAATCTGGCCAACAGCCATGGGGGCTAAGATGTTGGTT-3'
Protein context (NP_055400.1, residues 193-213): GQIMTFGSPV[Ile203=]GCGFISGWNL

ClinVar aggregate classification (germline): Likely benign. Review status: criteria provided, multiple submitters, no conflicts (2 of 4 stars). 2 submissions from 2 submitters: Likely benign (2). Last evaluated 2025-10-10.

Conditions:
Hemochromatosis type 4 (HFE4). Also called: HEMOCHROMATOSIS DUE TO DEFECT IN FERROPORTIN; HEMOCHROMATOSIS, AUTOSOMAL DOMINANT; Ferroportin disease. Identifiers: Orphanet 139491, Orphanet 647834, Orphanet 648562, MedGen C1853733, MONDO:0011631, OMIM 606069.

Allele frequency attached by ClinVar (database versions not stated): TOPMed 0.00005; ESP Exome Variant Server 0.00015; gnomAD exomes 0.00002 and 0.00003; gnomAD 0.00005 and 0.00006; ExAC 0.00002.

Submissions (2):

Labcorp Genetics (formerly Invitae), Labcorp
Classification: Likely benign for Hemochromatosis type 4. Last evaluated: 2025-10-10. Review status: criteria provided, single submitter. Criteria: Invitae Variant Classification Sherloc (09022015). Collection method: clinical testing. Allele origin: germline.

Illumina Laboratory Services, Illumina
Classification: Likely benign for Hemochromatosis type 4. Last evaluated: 2018-01-13. Review status: criteria provided, single submitter. Criteria: ICSL Variant Classification Criteria 13 December 2019. Collection method: clinical testing. Allele origin: germline.
Comment: This variant was observed in the ICSL laboratory as part of a predisposition screen in an ostensibly healthy population. It had not been previously curated by ICSL or reported in the Human Gene Mutation Database (HGMD: prior to June 1st, 2018), and was therefore a candidate for classification through an automated scoring system. Utilizing variant allele frequency, disease prevalence and penetrance estimates, and inheritance mode, an automated score was calculated to assess if this variant is too frequent to cause the disease. Based on the score and internal cut-off values, a variant classified as likely benign is not then subjected to further curation. The score for this variant resulted in a classification of likely benign for this disease.